The following is an entry in ClinVar:

NM_003737.4(DCHS1):c.4310C>T (p.Ala1437Val)

Gene: DCHS1 (dachsous cadherin-related 1; minus strand). Cytogenetic location: 11p15.4.
Variant type: single nucleotide variant.
Coding change: c.4310C>T on transcript NM_003737.4 (MANE Select); coding-DNA position 4310, C replaced by T.
Protein change: p.Ala1437Val; replaces alanine 1437 with valine.
Molecular consequence: missense variant.
Genome position (GRCh38, 1-based): chr11:6,630,484, G>A on the plus strand (C>T on the coding strand, the complement: DCHS1 is on the minus strand). VCF-style: chr11-6630484-G-A. GRCh37 (hg19) VCF-style: chr11-6651715-G-A.
Other names: short protein forms A1437V.
Identifiers: ClinVar variation 3011716 (VCV003011716.2), dbSNP rs1161417910, ClinGen allele CA379406031.

ClinVar aggregate classification (germline): Uncertain significance (1 of 4 stars; one submission).

Allele frequency attached by ClinVar (database versions not stated): TOPMed below 0.00001.
gnomAD v4.1: 1 of 1,533,230 alleles (0.000065%); highest among the groups gnomAD compares: Non-Finnish European, 0.000087%; no homozygotes.

Submission:

Labcorp Genetics (formerly Invitae), Labcorp
Classification: Uncertain significance. Last evaluated: 2025-03-26. Review status: criteria provided, single submitter. Criteria: Invitae Variant Classification Sherloc (09022015). Collection method: clinical testing. Allele origin: germline.
Comment: This sequence change replaces alanine, which is neutral and non-polar, with valine, which is neutral and non-polar, at codon 1437 of the DCHS1 protein (p.Ala1437Val). This variant is not present in population databases (gnomAD no frequency). This variant has not been reported in the literature in individuals affected with DCHS1-related conditions. ClinVar contains an entry for this variant (Variation ID: 3011716). Invitae Evidence Modeling of protein sequence and biophysical properties (such as structural, functional, and spatial information, amino acid conservation, physicochemical variation, residue mobility, and thermodynamic stability) indicates that this missense variant is not expected to disrupt DCHS1 protein function with a negative predictive value of 80%. In summary, the available evidence is currently insufficient to determine the role of this variant in disease. Therefore, it has been classified as a Variant of Uncertain Significance.